The following is an entry in ClinVar:

ClinVar aggregate classification (germline): Conflicting classifications of pathogenicity. Review status: criteria provided, conflicting classifications (1 of 4 stars). 4 submissions from 4 submitters: Uncertain significance (2); Likely benign (1). 1 of the submissions does not count toward it. Last evaluated 2022-03-28.

Conditions:
Primary ciliary dyskinesia 3. Identifiers: Orphanet 244, MedGen C1837618, MONDO:0012085, OMIM 608644.
Primary ciliary dyskinesia. Also called: Ciliary dyskinesia. Identifiers: Orphanet 244, MedGen C0008780, MONDO:0016575, HP:0012265.

Allele frequency attached by ClinVar (database versions not stated): ExAC 0.00002; gnomAD exomes 0.00006 and 0.00008; TOPMed 0.00007; gnomAD 0.00022.
gnomAD v4.1: 122 of 1,613,372 alleles (0.0076%); highest among the groups gnomAD compares: East Asian, 0.013%; no homozygotes.

Submissions (4):

Labcorp Genetics (formerly Invitae), Labcorp
Classification: Uncertain significance for Primary ciliary dyskinesia. Last evaluated: 2022-03-28. Review status: criteria provided, single submitter. Criteria: Invitae Variant Classification Sherloc (09022015). Collection method: clinical testing. Allele origin: germline.
Comment: This sequence change falls in intron 68 of the DNAH5 gene. It does not directly change the encoded amino acid sequence of the DNAH5 protein. It affects a nucleotide within the consensus splice site. This variant is present in population databases (rs780205801, gnomAD 0.04%). This variant has not been reported in the literature in individuals affected with DNAH5-related conditions. ClinVar contains an entry for this variant (Variation ID: 257984). Variants that disrupt the consensus splice site are a relatively common cause of aberrant splicing (PMID: 17576681, 9536098). Algorithms developed to predict the effect of sequence changes on RNA splicing suggest that this variant is not likely to affect RNA splicing. In summary, the available evidence is currently insufficient to determine the role of this variant in disease. Therefore, it has been classified as a Variant of Uncertain Significance.

Illumina Laboratory Services, Illumina
Classification: Uncertain significance for Primary ciliary dyskinesia 3. Last evaluated: 2018-01-13. Review status: criteria provided, single submitter. Criteria: ICSL Variant Classification Criteria 13 December 2019. Collection method: clinical testing. Allele origin: germline.

PreventionGenetics, part of Exact Sciences
Classification: Likely benign. Review status: criteria provided, single submitter. Criteria: ACMG Guidelines, 2015. Collection method: clinical testing. Allele origin: germline.

Natera, Inc.
Classification: Uncertain significance for Primary ciliary dyskinesia. Last evaluated: 2020-03-19. Review status: no assertion criteria provided. Collection method: clinical testing. Allele origin: germline. Not counted in ClinVar's aggregate classification.

Literature cited by the submitters: PubMed 17576681 (cited by Labcorp Genetics (formerly Invitae), Labcorp); PubMed 9536098 (cited by Labcorp Genetics (formerly Invitae), Labcorp).

NM_001369.3(DNAH5):c.11761+5A>G

Gene: DNAH5 (dynein axonemal heavy chain 5; minus strand). Cytogenetic location: 5p15.2.
Variant type: single nucleotide variant.
Coding change: c.11761+5A>G on transcript NM_001369.3 (MANE Select); 5 bases into the intron after coding-DNA position 11761, A replaced by G.
Molecular consequence: intron variant.
Genome position (GRCh38, 1-based): chr5:13,735,126, T>C on the plus strand (A>G on the coding strand, the complement: DNAH5 is on the minus strand). VCF-style: chr5-13735126-T-C. GRCh37 (hg19) VCF-style: chr5-13735235-T-C.
Identifiers: ClinVar variation 257984 (VCV000257984.14), dbSNP rs780205801, ClinGen allele CA3201861.